The following is an entry in ClinVar:

NM_003919.3(SGCE):c.439dup (p.Ile147fs)

Genes: CASD1 (CAS1 domain containing 1; plus strand), SGCE (sarcoglycan epsilon; minus strand). Cytogenetic location: 7q21.3.
Variant type: Duplication.
Coding change: c.439dup on transcript NM_003919.3 (MANE Select); coding-DNA position 439, one base duplicated (A; older notation c.439dupA).
Protein change: p.Ile147fs; shifts the reading frame from isoleucine 147.
Molecular consequence: frameshift variant.
Genome position (GRCh38, 1-based): chr7:94,623,349, T duplicated on the plus strand (A on the coding strand, the reverse complement: SGCE is on the minus strand). VCF-style (leftmost placement, unchanged base first): chr7-94623348-A-AT. GRCh37 (hg19) VCF-style: chr7-94252660-A-AT.
Other names: c.439dup, p.Ile147fs (NM_001099400.2, NM_001099401.2, NM_001346717.2); c.316dup, p.Ile106fs (NM_001301139.2, NM_001362809.2); c.547dup, p.Ile183fs (NM_001346713.2, NM_001346715.2); c.352dup, p.Ile118fs (NM_001346719.2, NM_001362807.2); c.166dup, p.Ile56fs (NM_001346720.2, NM_001362808.2); short protein forms I106fs, I118fs, I147fs, I183fs, I56fs.
Identifiers: ClinVar variation 805444 (VCV000805444.1), dbSNP rs1584663596, ClinGen allele CA915945367.
Genomic context (GRCh38, chr7:94,623,348, plus strand): 5'-TATAAATAAGAAATGATCAACATATTTTCATACCTACCTTCTGCAGACATTATATTAATT[A>AT]TCAAATTATGCCTTGCAGTCTCAAAGGTGCGCCTGTTGTAGGCAGTTATCTATTATAAAA-3'

ClinVar aggregate classification (germline): Pathogenic (1 of 4 stars; one submission).

Submission:

Athena Diagnostics
Classification: Pathogenic. Last evaluated: 2019-05-28. Review status: criteria provided, single submitter. Criteria: Athena Diagnostics Criteria. Collection method: clinical testing. Allele origin: germline.
Comment: The variant results in a shift of the reading frame, and is therefore predicted to result in the loss of a functional protein. Found in at least one symptomatic patient, and not found in general population data.